The following is an entry in ClinVar:

ClinVar aggregate classification (germline): Pathogenic (1 of 4 stars; one submission).

Conditions:
Mucopolysaccharidosis, MPS-III-B (MPS3B). Also called: N-ACETYL-ALPHA-D-GLUCOSAMINIDASE DEFICIENCY; NAGLU DEFICIENCY; SANFILIPPO SYNDROME B; MPS III B; MUCOPOLYSACCHARIDOSIS, TYPE IIIB; Mucopolysaccharidosis type IIIB (Sanfilippo B). Identifiers: Orphanet 79270, MedGen C0086648, MONDO:0009656, OMIM 252920.

Submission:

Myriad Genetics, Inc.
Classification: Pathogenic for Mucopolysaccharidosis, MPS-III-B. Last evaluated: 2023-09-27. Review status: criteria provided, single submitter. Criteria: Myriad Autosomal Dominant, Autosomal Recessive and X-Linked Classification Criteria (2023). Collection method: clinical testing. Allele origin: unknown.
Comment: NM_000263.3(NAGLU):c.217dupG(A73Gfs*119) is expected to be pathogenic in the context of mucopolysaccharidosis type IIIB. This variant is predicted to lead to an abnormal or absent protein product due to the creation of a premature termination codon in NAGLU, a gene where loss-of-function variants are known to be pathogenic. Please note: this variant was assessed in the context of healthy population screening.

NM_000263.4(NAGLU):c.217dup (p.Ala73fs)

Genes: NAGLU (N-acetyl-alpha-glucosaminidase; plus strand), LOC130060903 (ATAC-STARR-seq lymphoblastoid silent region 8533; plus strand). Cytogenetic location: 17q21.2.
Variant type: Duplication.
Coding change: c.217dup on transcript NM_000263.4 (MANE Select); coding-DNA position 217, one base duplicated (G; older notation c.217dupG).
Protein change: p.Ala73fs; shifts the reading frame from alanine 73.
Molecular consequence: frameshift variant.
Genome position (GRCh38, 1-based): chr17:42,536,489, G duplicated; the last of 2 consecutive G bases (chr17:42,536,488-42,536,489); duplicating either gives the same sequence. VCF-style (leftmost placement, unchanged base first): chr17-42536487-C-CG. GRCh37 (hg19) VCF-style: chr17-40688505-C-CG.
Other names: short protein forms A73fs.
Identifiers: ClinVar variation 5011986 (VCV005011986.1).